The following is an entry in ClinVar:

ClinVar aggregate classification (germline): Uncertain significance (1 of 4 stars; one submission).

Conditions:
Pseudohypoaldosteronism type 2C (PHA2C). Also called: Pseudohypoaldosteronism Type IIC. Identifiers: Orphanet 757, Orphanet 88940, MedGen C1840391, MONDO:0013778, OMIM 614492.
Neuropathy, hereditary sensory and autonomic, type 2A (HSAN2A). Also called: ACROOSTEOLYSIS, GIACCAI TYPE; ACROOSTEOLYSIS, NEUROGENIC; MORVAN DISEASE; NEUROPATHY, CONGENITAL SENSORY; NEUROPATHY, HEREDITARY SENSORY RADICULAR, AUTOSOMAL RECESSIVE; HSAN IIA. Identifiers: Orphanet 970, MedGen C2752089, MONDO:0024309, OMIM 201300.

Allele frequency attached by ClinVar (database versions not stated): ExAC 0.00002; gnomAD 0.00003; 1000 Genomes Project 30x 0.00047; 1000 Genomes Project 0.00060.
gnomAD v4.1: 4 of 1,614,096 alleles (0.00025%); highest among the groups gnomAD compares: African/African-American, 0.0053%; no homozygotes.

Submission:

Labcorp Genetics (formerly Invitae), Labcorp
Classification: Uncertain significance for Neuropathy, hereditary sensory and autonomic, type 2A; Pseudohypoaldosteronism type 2C. Last evaluated: 2022-03-19. Review status: criteria provided, single submitter. Criteria: Invitae Variant Classification Sherloc (09022015). Collection method: clinical testing. Allele origin: germline.
Comment: This variant is present in population databases (rs548555722, gnomAD 0.01%). In summary, the available evidence is currently insufficient to determine the role of this variant in disease. Therefore, it has been classified as a Variant of Uncertain Significance. Advanced modeling of protein sequence and biophysical properties (such as structural, functional, and spatial information, amino acid conservation, physicochemical variation, residue mobility, and thermodynamic stability) performed at Invitae indicates that this missense variant is not expected to disrupt WNK1 protein function. This variant has not been reported in the literature in individuals affected with WNK1-related conditions. This sequence change replaces proline, which is neutral and non-polar, with arginine, which is basic and polar, at codon 695 of the WNK1 protein (p.Pro695Arg).

NM_018979.4(WNK1):c.2084C>G (p.Pro695Arg)

Gene: WNK1 (WNK lysine deficient protein kinase 1; plus strand). Cytogenetic location: 12p13.33.
Variant type: single nucleotide variant.
Coding change: c.2084C>G on transcript NM_018979.4 (MANE Select); coding-DNA position 2084, C replaced by G.
Protein change: p.Pro695Arg; replaces proline 695 with arginine.
Molecular consequence: missense variant.
Genome position (GRCh38, 1-based): chr12:862,215, C>G. VCF-style: chr12-862215-C-G. GRCh37 (hg19) VCF-style: chr12-971381-C-G.
Other names: c.2084C>G, p.Pro695Arg (NM_001184985.2, NM_014823.3, NM_213655.5); short protein forms P695R.
Identifiers: ClinVar variation 1915955 (VCV001915955.5), dbSNP rs548555722, ClinGen allele CA6382101.
Genomic context (GRCh38, chr12:862,215, plus strand): 5'-TTTCATATGGTTCCCAACATGAACAGGCACATTCTACAGGCACAGTCCCAGGGCATATAC[C>G]TTCTACTGTCCAAGCACAGTCTCAGCCCCATGGGGTATATCCACCCTCAAGTGTGGTAAG-3'
Protein context (NP_061852.3, residues 685-705): HSTGTVPGHI[Pro695Arg]STVQAQSQPH